The following is an entry in ClinVar:

NM_005138.3(SCO2):c.537C>G (p.Arg179=)

Genes: SCO2 (synthesis of cytochrome C oxidase 2; minus strand), NCAPH2 (non-SMC condensin II complex subunit H2; plus strand). Cytogenetic location: 22q13.33.
Variant type: single nucleotide variant.
Coding change: c.537C>G on transcript NM_005138.3 (MANE Select); coding-DNA position 537, C replaced by G.
Protein change: p.Arg179=; no amino-acid change (arginine 179 retained).
Molecular consequence: synonymous variant. On other transcripts: 3 prime UTR variant (2).
Genome position (GRCh38, 1-based): chr22:50,523,875, G>C on the plus strand (C>G on the coding strand, the complement: SCO2 is on the minus strand). VCF-style: chr22-50523875-G-C. GRCh37 (hg19) VCF-style: chr22-50962304-G-C.
Other names: p.Arg179=; c.*500G>C (NM_001185011.2, NM_152299.4); c.537C>G, p.Arg179= (NM_001169109.2, NM_001169110.1, NM_001169111.2).
Identifiers: ClinVar variation 378567 (VCV000378567.37), dbSNP rs142239527, ClinGen allele CA10321177.

ClinVar aggregate classification (germline): Benign/Likely benign. Review status: criteria provided, multiple submitters, no conflicts (2 of 4 stars). 4 submissions from 4 submitters: Benign (1); Likely benign (3). Last evaluated 2026-01-19.

Allele frequency attached by ClinVar (database versions not stated): gnomAD 0.00009 and 0.00010; gnomAD exomes 0.00011; ExAC 0.00012; TOPMed 0.00014; ESP Exome Variant Server 0.00015.
gnomAD v4.1: 173 of 1,613,820 alleles (0.011%); highest among the groups gnomAD compares: Non-Finnish European, 0.014%; no homozygotes.

Submissions (4):

Labcorp Genetics (formerly Invitae), Labcorp
Classification: Likely benign. Last evaluated: 2026-01-19. Review status: criteria provided, single submitter. Criteria: Invitae Variant Classification Sherloc (09022015). Collection method: clinical testing. Allele origin: germline.

Mayo Clinic Laboratories, Mayo Clinic
Classification: Likely benign. Last evaluated: 2025-02-10. Review status: criteria provided, single submitter. Criteria: ACMG Guidelines, 2015. Collection method: clinical testing. Allele origin: germline. Observed: 1 variant allele.
Comment: BP4, BP7

CeGaT Center for Human Genetics Tuebingen
Classification: Likely benign. Last evaluated: 2023-06-01. Review status: criteria provided, single submitter. Criteria: CeGaT Center For Human Genetics Tuebingen Variant Classification Criteria Version 2. Collection method: clinical testing. Allele origin: germline. Affected: yes. Observed: 1 variant allele.
Comment: SCO2: BP4, BP7

GeneDx
Classification: Benign. Last evaluated: 2015-04-14. Review status: criteria provided, single submitter. Criteria: GeneDx Variant Classification (06012015). Collection method: clinical testing. Allele origin: germline. Affected: yes.
Comment: This variant is considered likely benign or benign based on one or more of the following criteria: it is a conservative change, it occurs at a poorly conserved position in the protein, it is predicted to be benign by multiple in silico algorithms, and/or has population frequency not consistent with disease.